The following is an entry in ClinVar:

NM_001384140.1(PCDH15):c.664T>C (p.Tyr222His)

Gene: PCDH15 (protocadherin related 15; minus strand). Cytogenetic location: 10q21.1.
Variant type: single nucleotide variant.
Coding change: c.664T>C on transcript NM_001384140.1 (MANE Select); coding-DNA position 664, T replaced by C.
Protein change: p.Tyr222His; replaces tyrosine 222 with histidine.
Molecular consequence: missense variant. On other transcripts: intron variant (1).
Genome position (GRCh38, 1-based): chr10:54,329,637, A>G on the plus strand (T>C on the coding strand, the complement: PCDH15 is on the minus strand). VCF-style: chr10-54329637-A-G. GRCh37 (hg19) VCF-style: chr10-56089397-A-G.
Other names: c.679T>C, p.Tyr227His (NM_001142763.2, NM_001142769.4, NM_001142771.2); c.664T>C, p.Tyr222His (NM_001142764.2, NM_001142765.2, NM_001142766.2 and 7 more transcripts); c.598T>C, p.Tyr200His (NM_001142768.2, NM_001142773.2, NM_001354404.2); c.595-12196T>C (NM_001142767.2); short protein forms Y222H, Y200H, Y227H.
Identifiers: ClinVar variation 4762673 (VCV004762673.1).

ClinVar aggregate classification (germline): Uncertain significance (1 of 4 stars; one submission).

gnomAD v4.1: 7 of 1,608,830 alleles (0.00044%); highest among the groups gnomAD compares: Non-Finnish European, 0.0006%; no homozygotes.

Submission:

Labcorp Genetics (formerly Invitae), Labcorp
Classification: Uncertain significance. Last evaluated: 2025-04-16. Review status: criteria provided, single submitter. Criteria: Invitae Variant Classification Sherloc (09022015). Collection method: clinical testing. Allele origin: germline.
Comment: This sequence change replaces tyrosine, which is neutral and polar, with histidine, which is basic and polar, at codon 222 of the PCDH15 protein (p.Tyr222His). This variant is not present in population databases (gnomAD no frequency). This variant has not been reported in the literature in individuals affected with PCDH15-related conditions. Invitae Evidence Modeling of protein sequence and biophysical properties (such as structural, functional, and spatial information, amino acid conservation, physicochemical variation, residue mobility, and thermodynamic stability) has been performed for this missense variant. However, the output from this modeling did not meet the statistical confidence thresholds required to predict the impact of this variant on PCDH15 protein function. In summary, the available evidence is currently insufficient to determine the role of this variant in disease. Therefore, it has been classified as a Variant of Uncertain Significance.